The following is an entry in ClinVar:

NM_006306.4(SMC1A):c.3043_3044del (p.Ser1015fs)

Gene: SMC1A (structural maintenance of chromosomes 1A; minus strand). Cytogenetic location: Xp11.22.
Variant type: Microsatellite.
Coding change: c.3043_3044del on transcript NM_006306.4 (MANE Select); coding-DNA positions 3043 to 3044, 2 bases deleted (AG; older notation c.3043_3044delAG).
Protein change: p.Ser1015fs; shifts the reading frame from serine 1015.
Molecular consequence: frameshift variant.
Genome position (GRCh38, 1-based): chrX:53,383,183-53,383,184, CT deleted on the plus strand (AG on the coding strand, the reverse complement: SMC1A is on the minus strand); deleting any 2 consecutive bases within chrX:53,383,183-53,383,186 gives the same sequence; the c. name uses the placement nearest the transcript's 3' end. VCF-style (leftmost placement, unchanged base first): chrX-53383182-ACT-A. GRCh37 (hg19) VCF-style: chrX-53410103-ACT-A.
Other names: c.2977_2978del, p.Ser993fs (NM_001281463.1); short protein forms S1015fs, S993fs.
Identifiers: ClinVar variation 3641041 (VCV003641041.2).
Genomic context (GRCh38, chrX:53,383,182, plus strand): 5'-TCGGACACTTTCCAGCTTTTCCATGGCCTTCATGTTGGGGGCGGCAATACGCTGAAGCAC[ACT>A]CTGCTGCTCATTCAGCTTCTGCTGCAGTGTGTTCATCTCTTGCTTGATCTCTTCCTCAGC-3'

ClinVar aggregate classification (germline): Pathogenic (1 of 4 stars; one submission).

Conditions:
Congenital muscular hypertrophy-cerebral syndrome (CDLS2). Also called: SMC1A-Related Cornelia de Lange Syndrome; Cornelia de Lange syndrome 2. Identifiers: Orphanet 199, MedGen C1802395, MONDO:0010370, OMIM 300590.

Submission:

Labcorp Genetics (formerly Invitae), Labcorp
Classification: Pathogenic for Congenital muscular hypertrophy-cerebral syndrome. Last evaluated: 2024-02-15. Review status: criteria provided, single submitter. Criteria: Invitae Variant Classification Sherloc (09022015). Collection method: clinical testing. Allele origin: germline.
Comment: This sequence change creates a premature translational stop signal (p.Ser1015Cysfs*29) in the SMC1A gene. It is expected to result in an absent or disrupted protein product. Loss-of-function variants in SMC1A are known to be pathogenic (PMID: 26386245, 27334371, 28166369, 28548707, 31334757). This variant is not present in population databases (gnomAD no frequency). This variant has not been reported in the literature in individuals affected with SMC1A-related conditions. For these reasons, this variant has been classified as Pathogenic.

Literature cited by the submitters: PubMed 26386245; PubMed 27334371; PubMed 28166369; PubMed 28548707; PubMed 31334757.